The following is an entry in ClinVar:

ClinVar aggregate classification (germline): Uncertain significance (1 of 4 stars; one submission).

Submission:

Women's Health and Genetics/Laboratory Corporation of America, LabCorp
Classification: Uncertain significance. Last evaluated: 2025-10-03. Review status: criteria provided, single submitter. Criteria: LabCorp Variant Classification Summary - May 2015. Collection method: clinical testing. Allele origin: germline.
Comment: Variant summary: PCSK9 c.1060A>C (p.Asn354His) results in a conservative amino acid change in the encoded protein sequence. Algorithms developed to predict the effect of missense changes on protein structure and function are either unavailable or do not agree on the potential impact of this missense change. The variant was absent in 251378 control chromosomes. The available data on variant occurrences in the general population are insufficient to allow any conclusion about variant significance. To our knowledge, no occurrence of c.1060A>C in individuals affected with PCSK9-related conditions and no experimental evidence demonstrating its impact on protein function have been reported. No submitters have cited clinical-significance assessments for this variant to ClinVar. Based on the evidence outlined above, the variant was classified as uncertain significance.

NM_174936.4(PCSK9):c.1060A>C (p.Asn354His)

Gene: PCSK9 (proprotein convertase subtilisin/kexin type 9; plus strand). Cytogenetic location: 1p32.3.
Variant type: single nucleotide variant.
Coding change: c.1060A>C on transcript NM_174936.4 (MANE Select); coding-DNA position 1060, A replaced by C.
Protein change: p.Asn354His; replaces asparagine 354 with histidine.
Molecular consequence: missense variant. On other transcripts: non-coding transcript variant (7).
Genome position (GRCh38, 1-based): chr1:55,057,394, A>C. VCF-style: chr1-55057394-A-C. GRCh37 (hg19) VCF-style: chr1-55523067-A-C.
Other names: c.1183A>C, p.Asn395His (NM_001407240.1); c.1060A>C, p.Asn354His (NM_001407241.1, NM_001407244.1, NM_001407247.1); c.1063A>C, p.Asn355His (NM_001407242.1); c.1003A>C, p.Asn335His (NM_001407243.1); c.868A>C, p.Asn290His (NM_001407245.1); c.685A>C, p.Asn229His (NM_001407246.1); short protein forms N229H, N290H, N335H, N354H, N355H, N395H.
Identifiers: ClinVar variation 4687602 (VCV004687602.1).
Genomic context (GRCh38, chr1:55,057,394, plus strand): 5'-ATCACAGTTGGGGCCACCAATGCCCAAGACCAGCCGGTGACCCTGGGGACTTTGGGGACC[A>C]ACTTTGGCCGCTGTGTGGACCTCTTTGCCCCAGGGGAGGACATCATTGGTGCCTCCAGCG-3'
Protein context (NP_777596.2, residues 344-364): QPVTLGTLGT[Asn354His]FGRCVDLFAP